The following is an entry in ClinVar:

ClinVar aggregate classification (germline): Uncertain significance (1 of 4 stars; one submission).

Conditions:
Hereditary cancer-predisposing syndrome. Also called: Hereditary Cancer Syndrome; Hereditary neoplastic syndrome; Neoplastic Syndromes, Hereditary; Tumor predisposition. Identifiers: Orphanet 140162, MedGen C0027672, MeSH D009386, MONDO:0015356.

Submission:

Ambry Genetics
Classification: Uncertain significance for Hereditary cancer-predisposing syndrome. Last evaluated: 2025-09-12. Review status: criteria provided, single submitter. Criteria: Ambry Variant Classification Scheme 2023. Collection method: clinical testing. Allele origin: germline.
Comment: The p.D505G variant (also known as c.1514A>G), located in coding exon 10 of the FH gene, results from an A to G substitution at nucleotide position 1514. The aspartic acid at codon 505 is replaced by glycine, an amino acid with similar properties. This amino acid position is conserved. In addition, the in silico prediction for this alteration is inconclusive. Based on the available evidence, the clinical significance of this variant remains unclear.

NM_000143.4(FH):c.1514A>G (p.Asp505Gly)

Gene: FH (fumarate hydratase; minus strand). Cytogenetic location: 1q43.
Variant type: single nucleotide variant.
Coding change: c.1514A>G on transcript NM_000143.4 (MANE Select); coding-DNA position 1514, A replaced by G.
Protein change: p.Asp505Gly; replaces aspartic acid 505 with glycine.
Molecular consequence: missense variant.
Genome position (GRCh38, 1-based): chr1:241,497,847, T>C on the plus strand (A>G on the coding strand, the complement: FH is on the minus strand). VCF-style: chr1-241497847-T-C. GRCh37 (hg19) VCF-style: chr1-241661147-T-C.
Other names: short protein forms D505G.
Identifiers: ClinVar variation 4257358 (VCV004257358.1).